The following is an entry in ClinVar:

NM_002485.5(NBN):c.1156G>T (p.Val386Phe)

Gene: NBN (nibrin; minus strand). Cytogenetic location: 8q21.3.
Variant type: single nucleotide variant.
Coding change: c.1156G>T on transcript NM_002485.5 (MANE Select); coding-DNA position 1156, G replaced by T.
Protein change: p.Val386Phe; replaces valine 386 with phenylalanine.
Molecular consequence: missense variant.
Genome position (GRCh38, 1-based): chr8:89,955,524, C>A on the plus strand (G>T on the coding strand, the complement: NBN is on the minus strand). VCF-style: chr8-89955524-C-A. GRCh37 (hg19) VCF-style: chr8-90967752-C-A.
Other names: c.910G>T, p.Val304Phe (NM_001024688.3); c.1156G>T (NM_002485.4); short protein forms V304F, V386F.
Identifiers: ClinVar variation 1361748 (VCV001361748.9), dbSNP rs1586059509, ClinGen allele CA371656470.

ClinVar aggregate classification (germline): Uncertain significance. Review status: criteria provided, multiple submitters, no conflicts (2 of 4 stars). 2 submissions from 2 submitters: Uncertain significance (2). Last evaluated 2026-07-06.

Conditions:
Hereditary cancer-predisposing syndrome. Also called: Hereditary Cancer Syndrome; Neoplastic Syndromes, Hereditary; Hereditary neoplastic syndrome; Tumor predisposition. Identifiers: Orphanet 140162, MedGen C0027672, MeSH D009386, MONDO:0015356.
Microcephaly, normal intelligence and immunodeficiency (NBS). Also called: SEEMANOVA SYNDROME II; BERLIN BREAKAGE SYNDROME; Immunodeficiency, microcephaly with normal intelligence; Ataxia telangiectasia variant V1; Nijmegen breakage syndrome; Microcephaly with normal intelligence immunodeficiency and lymphoreticular malignancies. Identifiers: Orphanet 647, MedGen C0398791, MONDO:0009623, OMIM 251260.

Submissions (2):

Ambry Genetics
Classification: Uncertain significance for Hereditary cancer-predisposing syndrome. Last evaluated: 2026-07-06. Review status: criteria provided, single submitter. Criteria: Ambry Variant Classification Scheme 2023. Collection method: clinical testing. Allele origin: germline.
Comment: The p.V386F variant (also known as c.1156G>T), located in coding exon 10 of the NBN gene, results from a G to T substitution at nucleotide position 1156. The valine at codon 386 is replaced by phenylalanine, an amino acid with highly similar properties. This amino acid position is conserved. In addition, this alteration is predicted to be tolerated by in silico analysis. Based on the available evidence, the clinical significance of this variant remains unclear.

Labcorp Genetics (formerly Invitae), Labcorp
Classification: Uncertain significance for Microcephaly, normal intelligence and immunodeficiency. Last evaluated: 2020-12-31. Review status: criteria provided, single submitter. Criteria: Invitae Variant Classification Sherloc (09022015). Collection method: clinical testing. Allele origin: germline.
Comment: In summary, the available evidence is currently insufficient to determine the role of this variant in disease. Therefore, it has been classified as a Variant of Uncertain Significance. Algorithms developed to predict the effect of missense changes on protein structure and function (SIFT, PolyPhen-2, Align-GVGD) all suggest that this variant is likely to be tolerated, but these predictions have not been confirmed by published functional studies and their clinical significance is uncertain. This variant has not been reported in the literature in individuals with NBN-related conditions. This variant is not present in population databases (ExAC no frequency). This sequence change replaces valine with phenylalanine at codon 386 of the NBN protein (p.Val386Phe). The valine residue is weakly conserved and there is a small physicochemical difference between valine and phenylalanine.